The following is an entry in ClinVar:

ClinVar aggregate classification (germline): Likely benign. Review status: criteria provided, multiple submitters, no conflicts (2 of 4 stars). 2 submissions from 2 submitters: Likely benign (2). Last evaluated 2026-06-28.

Conditions:
GBF1-related disorder. Also called: GBF1-related condition.

gnomAD v4.1: 119 of 1,613,880 alleles (0.0074%); highest among the groups gnomAD compares: Non-Finnish European, 0.0092%; no homozygotes.

Submissions (2):

PreventionGenetics, part of Exact Sciences
Classification: Likely benign for GBF1-related condition. Last evaluated: 2026-06-28. Review status: criteria provided, single submitter. Criteria: ACMG Guidelines, 2015. Collection method: clinical testing. Allele origin: germline.
Comment: This variant is classified as likely benign based on ACMG/AMP sequence variant interpretation guidelines (Richards et al. 2015 PMID: 25741868, with internal and published modifications).

CeGaT Center for Human Genetics Tuebingen
Classification: Likely benign. Last evaluated: 2026-06-01. Review status: criteria provided, single submitter. Criteria: CeGaT Center For Human Genetics Tuebingen Variant Classification Criteria Version 2. Collection method: clinical testing. Allele origin: germline. Affected: yes. Observed: 1 variant allele.
Comment: GBF1: BP4, BP7

NM_001377137.1(GBF1):c.2736G>A (p.Glu912=)

Gene: GBF1 (golgi brefeldin A resistant guanine nucleotide exchange factor 1; plus strand). Cytogenetic location: 10q24.32.
Variant type: single nucleotide variant.
Coding change: c.2736G>A on transcript NM_001377137.1 (MANE Select); coding-DNA position 2736, G replaced by A.
Protein change: p.Glu912=; no amino-acid change (glutamic acid 912 retained).
Molecular consequence: synonymous variant. On other transcripts: non-coding transcript variant (5), intron variant (1).
Genome position (GRCh38, 1-based): chr10:102,368,311, G>A. VCF-style: chr10-102368311-G-A. GRCh37 (hg19) VCF-style: chr10-104128068-G-A.
Other names: c.2733G>A (NM_004193.2); c.2736G>A, p.Glu912= (NM_001199378.2, NM_001391923.1); c.2733G>A, p.Glu911= (NM_001199379.2, NM_001377141.1, NM_001391924.1 and 3 more transcripts); c.2697G>A, p.Glu899= (NM_001377138.1, NM_001391925.1); c.2439G>A, p.Glu813= (NM_001377139.1, NM_001377140.1); c.2832G>A, p.Glu944= (NM_001391922.1, NM_001411027.1); c.2700G>A, p.Glu900= (NM_001391926.1); c.2592G>A, p.Glu864= (NM_001391928.1); and 3 more.
Identifiers: ClinVar variation 4874012 (VCV004874012.3).